The following is an entry in ClinVar:

NM_000498.3(CYP11B2):c.801T>C (p.Gly267=)

Genes: CYP11B2 (cytochrome P450 family 11 subfamily B member 2; minus strand), LOC106799834 (CYP11B2 recombination region; plus strand). Cytogenetic location: 8q24.3.
Variant type: single nucleotide variant.
Coding change: c.801T>C on transcript NM_000498.3 (MANE Select); coding-DNA position 801, T replaced by C.
Protein change: p.Gly267=; no amino-acid change (glycine 267 retained).
Molecular consequence: synonymous variant.
Genome position (GRCh38, 1-based): chr8:142,914,417, A>G on the plus strand (T>C on the coding strand, the complement: CYP11B2 is on the minus strand). VCF-style: chr8-142914417-A-G. GRCh37 (hg19) VCF-style: chr8-143995833-A-G.
Other names: p.Gly267=.
Identifiers: ClinVar variation 718480 (VCV000718480.15), dbSNP rs201063442, ClinGen allele CA4906064.

ClinVar aggregate classification (germline): Likely benign. Review status: criteria provided, multiple submitters, no conflicts (2 of 4 stars). 5 submissions from 5 submitters: Likely benign (4). 1 of the submissions does not count toward it. Last evaluated 2026-01-27.

Conditions:
Corticosterone 18-monooxygenase deficiency. Also called: ALDOSTERONE DEFICIENCY DUE TO DEFECT IN STEROID 18-HYDROXYLASE; ALDOSTERONE DEFICIENCY I; CMO I DEFICIENCY; STEROID 18-HYDROXYLASE DEFICIENCY; 18 Hydroxylase deficiency; Aldosterone deficiency due to defect in 18 hydroxylase. Identifiers: Orphanet 427, MedGen C0268293, MONDO:0008751, OMIM 203400. Disease mechanism: loss of function.

Allele frequency attached by ClinVar (database versions not stated): ExAC 0.00008; gnomAD exomes 0.00014 and 0.00030; 1000 Genomes Project 0.00539; 1000 Genomes Project 30x 0.00578.

Submissions (5):

Labcorp Genetics (formerly Invitae), Labcorp
Classification: Likely benign. Last evaluated: 2026-01-27. Review status: criteria provided, single submitter. Criteria: Invitae Variant Classification Sherloc (09022015). Collection method: clinical testing. Allele origin: germline.

Mayo Clinic Laboratories, Mayo Clinic
Classification: Likely benign. Last evaluated: 2025-12-04. Review status: criteria provided, single submitter. Criteria: ACMG Guidelines, 2015. Collection method: clinical testing. Allele origin: germline. Observed: 2 variant alleles.
Comment: BS1, BP4, BP7

Blueprint Genetics
Classification: Likely benign. Last evaluated: 2024-11-27. Review status: criteria provided, single submitter. Criteria: ACMG Guidelines, 2015. Collection method: clinical testing. Allele origin: germline.

Breakthrough Genomics
Classification: Likely benign. Review status: criteria provided, single submitter. Criteria: ACMG Guidelines, 2015. Collection method: not provided. Allele origin: germline. Inheritance: Autosomal recessive inheritance. Affected: yes.

Natera, Inc.
Classification: Likely benign for Corticosterone 18-monooxygenase deficiency. Last evaluated: 2020-06-07. Review status: no assertion criteria provided. Collection method: clinical testing. Allele origin: germline. Not counted in ClinVar's aggregate classification.